The following is an entry in ClinVar:

ClinVar aggregate classification (germline): Uncertain significance. Review status: criteria provided, multiple submitters, no conflicts (2 of 4 stars). 3 submissions from 3 submitters: Uncertain significance (3). Last evaluated 2026-06-04.

Conditions:
Connective tissue disorder. Also called: Connective tissue disease. Identifiers: MedGen C0009782, MONDO:0003900.
Inborn genetic diseases. Identifiers: MedGen C0950123, MeSH D030342.

Allele frequency attached by ClinVar (database versions not stated): gnomAD 0.00001; TOPMed below 0.00001; gnomAD exomes below 0.00001.
gnomAD v4.1: 9 of 1,614,100 alleles (0.00056%); highest among the groups gnomAD compares: Non-Finnish European, 0.00068%; no homozygotes.

Submissions (3):

Ambry Genetics
Classification: Uncertain significance for Inborn genetic diseases. Last evaluated: 2026-06-04. Review status: criteria provided, single submitter. Criteria: Ambry Variant Classification Scheme 2023. Collection method: clinical testing. Allele origin: germline.

Genome Diagnostics Laboratory, The Hospital for Sick Children
Classification: Uncertain significance for Connective tissue disorder. Last evaluated: 2022-01-28. Review status: criteria provided, single submitter. Criteria: ACMG Guidelines, 2015. Collection method: clinical testing. Allele origin: germline.

Labcorp Genetics (formerly Invitae), Labcorp
Classification: Uncertain significance. Last evaluated: 2021-04-27. Review status: criteria provided, single submitter. Criteria: Invitae Variant Classification Sherloc (09022015). Collection method: clinical testing. Allele origin: germline.
Comment: This sequence change replaces threonine with isoleucine at codon 1579 of the FLNB protein (p.Thr1579Ile). The threonine residue is highly conserved and there is a moderate physicochemical difference between threonine and isoleucine. This variant is not present in population databases (ExAC no frequency). This variant has not been reported in the literature in individuals with FLNB-related conditions. Advanced modeling of protein sequence and biophysical properties (such as structural, functional, and spatial information, amino acid conservation, physicochemical variation, residue mobility, and thermodynamic stability) performed at Invitae indicates that this missense variant is not expected to disrupt FLNB protein function. In summary, the available evidence is currently insufficient to determine the role of this variant in disease. Therefore, it has been classified as a Variant of Uncertain Significance.

NM_001457.4(FLNB):c.4736C>T (p.Thr1579Ile)

Gene: FLNB (filamin B; plus strand). Cytogenetic location: 3p14.3.
Variant type: single nucleotide variant.
Coding change: c.4736C>T on transcript NM_001457.4 (MANE Select); coding-DNA position 4736, C replaced by T.
Protein change: p.Thr1579Ile; replaces threonine 1579 with isoleucine.
Molecular consequence: missense variant.
Genome position (GRCh38, 1-based): chr3:58,136,043, C>T. VCF-style: chr3-58136043-C-T. GRCh37 (hg19) VCF-style: chr3-58121770-C-T.
Other names: c.4829C>T, p.Thr1610Ile (NM_001164317.2); c.4736C>T, p.Thr1579Ile (NM_001164318.2, NM_001164319.2); short protein forms T1579I, T1610I.
Identifiers: ClinVar variation 1423798 (VCV001423798.10), dbSNP rs2097315257, ClinGen allele CA353352056.